The following is an entry in ClinVar:

NM_013284.4(POLM):c.663G>A (p.Val221=)

Gene: POLM (DNA polymerase mu; minus strand). Cytogenetic location: 7p13.
Variant type: single nucleotide variant.
Coding change: c.663G>A on transcript NM_013284.4 (MANE Select); coding-DNA position 663, G replaced by A.
Protein change: p.Val221=; no amino-acid change (valine 221 retained).
Molecular consequence: synonymous variant. On other transcripts: non-coding transcript variant (3).
Genome position (GRCh38, 1-based): chr7:44,078,791, C>T on the plus strand (G>A on the coding strand, the complement: POLM is on the minus strand). VCF-style: chr7-44078791-C-T. GRCh37 (hg19) VCF-style: chr7-44118390-C-T.
Other names: c.663G>A, p.Val221= (NM_001284330.2, NM_001284331.2, NM_001362683.2).
Identifiers: ClinVar variation 2657419 (VCV002657419.24), dbSNP rs747094200, ClinGen allele CA4237136.

ClinVar aggregate classification (germline): Likely benign (1 of 4 stars; one submission).

Allele frequency attached by ClinVar (database versions not stated): TOPMed below 0.00001; ExAC 0.00001; gnomAD 0.00001; gnomAD exomes 0.00001.
gnomAD v4.1: 8 of 1,613,916 alleles (0.0005%); highest among the groups gnomAD compares: Non-Finnish European, 0.00068%; no homozygotes.

Submission:

CeGaT Center for Human Genetics Tuebingen
Classification: Likely benign. Last evaluated: 2022-07-01. Review status: criteria provided, single submitter. Criteria: CeGaT Center For Human Genetics Tuebingen Variant Classification Criteria Version 2. Collection method: clinical testing. Allele origin: germline. Affected: yes. Observed: 1 variant allele.
Comment: POLM: BP4, BP7